The following is an entry in ClinVar:

ClinVar aggregate classification (germline): Uncertain significance (1 of 4 stars; one submission).

Conditions:
Naxos disease (NXD). Also called: KERATOSIS PALMOPLANTARIS WITH ARRHYTHMOGENIC CARDIOMYOPATHY; MAL DE NAXOS; PALMOPLANTAR KERATODERMA WITH ARRHYTHMOGENIC RIGHT VENTRICULAR CARDIOMYOPATHY AND WOOLLY HAIR; WOOLLY HAIR, PALMOPLANTAR KERATODERMA, AND CARDIAC ABNORMALITIES; CARDIOMYOPATHY, ARRHYTHMOGENIC RIGHT VENTRICULAR, WITH SKIN, HAIR, AND NAIL ABNORMALITIES. Identifiers: Orphanet 34217, MedGen C1832600, MONDO:0011017, OMIM 601214.
Arrhythmogenic right ventricular dysplasia 12. Also called: ARRHYTHMOGENIC RIGHT VENTRICULAR DYSPLASIA, FAMILIAL, 12. Identifiers: MedGen C1969081, MONDO:0012684, OMIM 611528.

gnomAD v4.1: 2 of 1,613,732 alleles (0.00012%); highest among the groups gnomAD compares: African/African-American, 0.0027%; no homozygotes.

Submission:

Labcorp Genetics (formerly Invitae), Labcorp
Classification: Uncertain significance for Arrhythmogenic right ventricular dysplasia 12; Naxos disease. Last evaluated: 2024-09-23. Review status: criteria provided, single submitter. Criteria: Invitae Variant Classification Sherloc (09022015). Collection method: clinical testing. Allele origin: germline.
Comment: This sequence change replaces threonine, which is neutral and polar, with serine, which is neutral and polar, at codon 641 of the JUP protein (p.Thr641Ser). This variant is present in population databases (no rsID available, gnomAD 0.01%). This variant has not been reported in the literature in individuals affected with JUP-related conditions. An algorithm developed to predict the effect of missense changes on protein structure and function (PolyPhen-2) suggests that this variant is likely to be tolerated. In summary, the available evidence is currently insufficient to determine the role of this variant in disease. Therefore, it has been classified as a Variant of Uncertain Significance.

NM_002230.4(JUP):c.1922C>G (p.Thr641Ser)

Gene: JUP (junction plakoglobin; minus strand). Cytogenetic location: 17q21.2.
Variant type: single nucleotide variant.
Coding change: c.1922C>G on transcript NM_002230.4 (MANE Select); coding-DNA position 1922, C replaced by G.
Protein change: p.Thr641Ser; replaces threonine 641 with serine.
Molecular consequence: missense variant.
Genome position (GRCh38, 1-based): chr17:41,757,636, G>C on the plus strand (C>G on the coding strand, the complement: JUP is on the minus strand). VCF-style: chr17-41757636-G-C. GRCh37 (hg19) VCF-style: chr17-39913888-G-C.
Other names: c.1922C>G, p.Thr641Ser (NM_001352773.2, NM_001352774.2, NM_001352775.2 and 3 more transcripts); short protein forms T641S.
Identifiers: ClinVar variation 3750782 (VCV003750782.2).
Genomic context (GRCh38, chr17:41,757,636, plus strand): 5'-CCAGCCTCCATCGTGGCTGGGGGAGTGGGACCCAGCCTCCTGCCCTCCCCCAGCTCACCA[G>C]TGCCCTCGTTGCGGGAGTGCAGCAACTCCATGAGTGGGGCCGAGGCCCCCTCTGCATCAA-3'
Protein context (NP_002221.1, residues 631-651): MELLHSRNEG[Thr641Ser]ATYAAAVLFR